The following is an entry in ClinVar:

ClinVar aggregate classification (germline): Uncertain significance (1 of 4 stars; one submission).

Allele frequency attached by ClinVar (database versions not stated): gnomAD 0.00001; gnomAD exomes 0.00001; TOPMed 0.00002.
gnomAD v4.1: 16 of 1,536,064 alleles (0.001%); highest among the groups gnomAD compares: Admixed American, 0.0039%; no homozygotes.

Submission:

Labcorp Genetics (formerly Invitae), Labcorp
Classification: Uncertain significance. Last evaluated: 2022-01-12. Review status: criteria provided, single submitter. Criteria: Invitae Variant Classification Sherloc (09022015). Collection method: clinical testing. Allele origin: germline.
Comment: The C2CD3 gene has multiple clinically relevant transcripts. This variant occurs in alternate transcript NM_001286577.1, and corresponds to NM_015531.5:c.*729C>A in the primary transcript. This sequence change affects codon 2097 of the C2CD3 mRNA. It is a 'silent' change, meaning that it does not change the encoded amino acid sequence of the C2CD3 protein. This variant is present in population databases (no rsID available, gnomAD 0.004%). This variant has not been reported in the literature in individuals affected with C2CD3-related conditions. Algorithms developed to predict the effect of sequence changes on RNA splicing suggest that this variant may create or strengthen a splice site. In summary, the available evidence is currently insufficient to determine the role of this variant in disease. Therefore, it has been classified as a Variant of Uncertain Significance.

NM_001286577.2(C2CD3):c.6291C>A (p.Val2097=)

Gene: C2CD3 (C2 domain containing 3 centriole elongation regulator; minus strand). Cytogenetic location: 11q13.4.
Variant type: single nucleotide variant.
Coding change: c.6291C>A on transcript NM_001286577.2 (MANE Select); coding-DNA position 6291, C replaced by A.
Protein change: p.Val2097=; no amino-acid change (valine 2097 retained).
Molecular consequence: synonymous variant.
Genome position (GRCh38, 1-based): chr11:74,033,869, G>T on the plus strand (C>A on the coding strand, the complement: C2CD3 is on the minus strand). VCF-style: chr11-74033869-G-T. GRCh37 (hg19) VCF-style: chr11-73744914-G-T.
Identifiers: ClinVar variation 1421041 (VCV001421041.3), dbSNP rs955784510, ClinGen allele CA224505694.